The following is an entry in ClinVar:

ClinVar aggregate classification (germline): Pathogenic (1 of 4 stars; one submission).

Conditions:
Hereditary angioedema type 1 (HAE1). Identifiers: Orphanet 100050, Orphanet 100051, Orphanet 91378, MedGen C2717906, MONDO:0015053, OMIM 106100.

Submission:

DNA-diagnostics Laboratory, Research Centre For Medical Genetics
Classification: Pathogenic for Hereditary angioedema type 1. Last evaluated: 2024-07-06. Review status: criteria provided, single submitter. Criteria: ACMG Guidelines, 2015. Collection method: research. Allele origin: germline. Inheritance: Autosomal dominant inheritance. Affected: yes. Observed: 2 variant alleles, 2 heterozygotes.
Comment: According to our observation and the published information of Eldering et al., 1995 and Verpy et al., 1996, the c.1492C>T variant in SERPING1 meets ACMG/ClinGen SVI guidance criteria to be classified as pathogenic: PP3_Str, PS4_Mod, PM2_Sup, PS3_Sup, PP4, PP2

Literature cited by the submitters: PubMed 8755917; DOI 10.1074/jbc.270.6.2579.

NM_000062.3(SERPING1):c.1492C>T (p.Pro498Ser)

Gene: SERPING1 (serpin family G member 1; plus strand). Cytogenetic location: 11q12.1.
Variant type: single nucleotide variant.
Coding change: c.1492C>T on transcript NM_000062.3 (MANE Select); coding-DNA position 1492, C replaced by T.
Protein change: p.Pro498Ser; replaces proline 498 with serine.
Molecular consequence: missense variant.
Genome position (GRCh38, 1-based): chr11:57,614,570, C>T. VCF-style: chr11-57614570-C-T. GRCh37 (hg19) VCF-style: chr11-57382043-C-T.
Other names: c.1492C>T, p.Pro498Ser (NM_001032295.2); short protein forms P498S.
Identifiers: ClinVar variation 3252000 (VCV003252000.2), dbSNP rs1945518132.
Genomic context (GRCh38, chr11:57,614,570, plus strand): 5'-CTCTTCGTGCTCTGGGACCAGCAGCACAAGTTCCCTGTCTTCATGGGGCGAGTATATGAC[C>T]CCAGGGCCTGAGACCTGCAGGATCAGGTTAGGGCGAGCGCTACCTCTCCAGCCTCAGCTC-3'
Protein context (NP_000053.2, residues 488-500): FPVFMGRVYD[Pro498Ser]RA